The following is an entry in ClinVar:

ClinVar aggregate classification (germline): Uncertain significance (1 of 4 stars; one submission).

Conditions:
Neonatal-onset encephalopathy with rigidity and seizures. Also called: Lethal neonatal spasticity-epileptic encephalopathy syndrome. Identifiers: Orphanet 435845, MedGen C3281029, MONDO:0013784, OMIM 614498.

Submission:

Labcorp Genetics (formerly Invitae), Labcorp
Classification: Uncertain significance for Neonatal-onset encephalopathy with rigidity and seizures. Last evaluated: 2024-02-23. Review status: criteria provided, single submitter. Criteria: Invitae Variant Classification Sherloc (09022015). Collection method: clinical testing. Allele origin: germline.
Comment: This sequence change replaces cysteine, which is neutral and slightly polar, with phenylalanine, which is neutral and non-polar, at codon 696 of the BRAT1 protein (p.Cys696Phe). This variant is not present in population databases (gnomAD no frequency). This variant has not been reported in the literature in individuals affected with BRAT1-related conditions. ClinVar contains an entry for this variant (Variation ID: 2132209). Advanced modeling of protein sequence and biophysical properties (such as structural, functional, and spatial information, amino acid conservation, physicochemical variation, residue mobility, and thermodynamic stability) performed at Invitae indicates that this missense variant is not expected to disrupt BRAT1 protein function with a negative predictive value of 80%. In summary, the available evidence is currently insufficient to determine the role of this variant in disease. Therefore, it has been classified as a Variant of Uncertain Significance.

NM_152743.4(BRAT1):c.2087G>T (p.Cys696Phe)

Gene: BRAT1 (BRCA1 associated ATM activator 1; minus strand). Cytogenetic location: 7p22.3.
Variant type: single nucleotide variant.
Coding change: c.2087G>T on transcript NM_152743.4 (MANE Select); coding-DNA position 2087, G replaced by T.
Protein change: p.Cys696Phe; replaces cysteine 696 with phenylalanine.
Molecular consequence: missense variant. On other transcripts: non-coding transcript variant (1).
Genome position (GRCh38, 1-based): chr7:2,538,448, C>A on the plus strand (G>T on the coding strand, the complement: BRAT1 is on the minus strand). VCF-style: chr7-2538448-C-A. GRCh37 (hg19) VCF-style: chr7-2578082-C-A.
Other names: c.2267G>T, p.Cys756Phe (NM_001350626.2); c.1562G>T, p.Cys521Phe (NM_001350627.2); short protein forms C521F, C696F, C756F.
Identifiers: ClinVar variation 2132209 (VCV002132209.4), dbSNP rs2534285834, ClinGen allele CA366624732.